The following is an entry in ClinVar:

NM_001165963.4(SCN1A):c.1228G>C (p.Gly410Arg)

Gene: SCN1A (sodium voltage-gated channel alpha subunit 1; minus strand). Cytogenetic location: 2q24.3.
Variant type: single nucleotide variant.
Coding change: c.1228G>C on transcript NM_001165963.4 (MANE Select); coding-DNA position 1228, G replaced by C.
Protein change: p.Gly410Arg; replaces glycine 410 with arginine.
Molecular consequence: missense variant. On other transcripts: 5 prime UTR variant (1), non-coding transcript variant (1).
Genome position (GRCh38, 1-based): chr2:166,046,919, C>G on the plus strand (G>C on the coding strand, the complement: SCN1A is on the minus strand). VCF-style: chr2-166046919-C-G. GRCh37 (hg19) VCF-style: chr2-166903429-C-G.
Other names: c.1228G>C, p.Gly410Arg (NM_001165964.3, NM_001202435.3, NM_001353948.2 and 10 more transcripts); c.-1198G>C (NM_001353961.2); short protein forms G410R.
Identifiers: ClinVar variation 639537 (VCV000639537.9), dbSNP rs1574235136, ClinGen allele CA349070933.

ClinVar aggregate classification (germline): Uncertain significance (1 of 4 stars; one submission).

Conditions:
Early-infantile DEE. Also called: Early infantile epileptic encephalopathy; Early infantile epileptic encephalopathy with suppression bursts; Ohtahara syndrome. Identifiers: Orphanet 1934, MedGen C0393706, MONDO:0800491.

Submission:

Labcorp Genetics (formerly Invitae), Labcorp
Classification: Uncertain significance for Early-infantile DEE. Last evaluated: 2018-11-06. Review status: criteria provided, single submitter. Criteria: Invitae Variant Classification Sherloc (09022015). Collection method: clinical testing. Allele origin: germline.
Comment: In summary, the available evidence is currently insufficient to determine the role of this variant in disease. Therefore, it has been classified as a Variant of Uncertain Significance. Algorithms developed to predict the effect of missense changes on protein structure and function (SIFT, PolyPhen-2, Align-GVGD) all suggest that this variant is likely to be disruptive, but these predictions have not been confirmed by published functional studies and their clinical significance is uncertain. This variant has not been reported in the literature in individuals with SCN1A-related disease. This variant is not present in population databases (ExAC no frequency). This sequence change replaces glycine with arginine at codon 410 of the SCN1A protein (p.Gly410Arg). The glycine residue is highly conserved and there is a moderate physicochemical difference between glycine and arginine.